The following is an entry in ClinVar:

NM_000218.3(KCNQ1):c.1559_1562del (p.Met520fs)

Gene: KCNQ1 (potassium voltage-gated channel subfamily Q member 1; plus strand). Cytogenetic location: 11p15.5.
Variant type: Deletion.
Coding change: c.1559_1562del on transcript NM_000218.3 (MANE Select); coding-DNA positions 1559 to 1562, 4 bases deleted (TGCA; older notation c.1559_1562delTGCA).
Protein change: p.Met520fs; shifts the reading frame from methionine 520.
Molecular consequence: frameshift variant.
Genome position (GRCh38, 1-based): chr11:2,768,888-2,768,891, TGCA deleted; deleting any 4 consecutive bases within chr11:2,768,885-2,768,891 gives the same sequence; the c. name uses the placement nearest the transcript's 3' end. VCF-style (leftmost placement, unchanged base first): chr11-2768884-CGCAT-C. GRCh37 (hg19) VCF-style: chr11-2790114-CGCAT-C.
Other names: c.1463_1466del, p.Met488fs (NM_001406836.1); c.1289_1292del, p.Met430fs (NM_001406837.1); c.1019_1022del, p.Met340fs (NM_001406838.1); c.1178_1181del, p.Met393fs (NM_181798.2); short protein forms M430fs, M393fs, M488fs, M520fs, M340fs.
Identifiers: ClinVar variation 2708573 (VCV002708573.3), dbSNP rs2494120337, ClinGen allele CA2697548364.

ClinVar aggregate classification (germline): Pathogenic (1 of 4 stars; one submission).

Conditions:
Long QT syndrome (LQTS). Identifiers: MedGen C0023976, MeSH D008133, MONDO:0002442. Disease mechanism: loss of function. Inheritance: Various modes of inheritance.

Submission:

Labcorp Genetics (formerly Invitae), Labcorp
Classification: Pathogenic for Long QT syndrome. Last evaluated: 2025-03-18. Review status: criteria provided, single submitter. Criteria: Invitae Variant Classification Sherloc (09022015). Collection method: clinical testing. Allele origin: germline.
Comment: This sequence change creates a premature translational stop signal (p.Met520Serfs*72) in the KCNQ1 gene. While this is not anticipated to result in nonsense mediated decay, it is expected to disrupt the last 157 amino acid(s) of the KCNQ1 protein. This variant is not present in population databases (gnomAD no frequency). This variant has not been reported in the literature in individuals affected with KCNQ1-related conditions. ClinVar contains an entry for this variant (Variation ID: 2708573). This variant disrupts a region of the KCNQ1 protein in which other variant(s) (p.Arg632Glnfs*20) have been determined to be pathogenic (PMID: 10024302, 23098067, 23631430, 25187895). This suggests that this is a clinically significant region of the protein, and that variants that disrupt it are likely to be disease-causing. For these reasons, this variant has been classified as Pathogenic.

Literature cited by the submitters: PubMed 10024302; PubMed 23098067; PubMed 23631430; PubMed 25187895.